The following is an entry in ClinVar:

NM_020297.4(ABCC9):c.4268A>G (p.Glu1423Gly)

Genes: ABCC9 (ATP binding cassette subfamily C member 9; minus strand), KCNJ8-AS1 (KCNJ8 antisense RNA 1; plus strand). Cytogenetic location: 12p12.1.
Variant type: single nucleotide variant.
Coding change: c.4268A>G on transcript NM_020297.4 (MANE Select); coding-DNA position 4268, A replaced by G.
Protein change: p.Glu1423Gly; replaces glutamic acid 1423 with glycine.
Molecular consequence: missense variant.
Genome position (GRCh38, 1-based): chr12:21,809,899, T>C on the plus strand (A>G on the coding strand, the complement: ABCC9 is on the minus strand). VCF-style: chr12-21809899-T-C. GRCh37 (hg19) VCF-style: chr12-21962833-T-C.
Other names: c.4268A>G, p.Glu1423Gly (NM_001377273.1, NM_005691.4); c.3401A>G, p.Glu1134Gly (NM_001377274.1); short protein forms E1134G, E1423G.
Identifiers: ClinVar variation 5025374 (VCV005025374.1).

ClinVar aggregate classification (germline): Uncertain significance (1 of 4 stars; one submission).

Conditions:
Cardiovascular phenotype. Identifiers: MedGen CN230736.

Submission:

Ambry Genetics
Classification: Uncertain significance for Cardiovascular phenotype. Last evaluated: 2026-09-13. Review status: criteria provided, single submitter. Criteria: Ambry Variant Classification Scheme 2023. Collection method: clinical testing. Allele origin: germline.
Comment: The p.E1423G variant (also known as c.4268A>G), located in coding exon 35 of the ABCC9 gene, results from an A to G substitution at nucleotide position 4268. The glutamic acid at codon 1423 is replaced by glycine, an amino acid with similar properties. This amino acid position is conserved. In addition, this alteration is predicted to be deleterious by in silico analysis. Based on the available evidence, the clinical significance of this variant remains unclear.